The following is an entry in ClinVar:

NM_000548.5(TSC2):c.2479GTG[1] (p.Val828del)

Gene: TSC2 (TSC complex subunit 2; plus strand). Cytogenetic location: 16p13.3.
Variant type: Microsatellite.
Coding change: c.2479GTG[1] on transcript NM_000548.5 (MANE Select); one copy of the 3-base unit GTG starting at c.2479; the reference has two copies in a row; one copy, 3 bases deleted.
Protein change: p.Val828del; deletes valine 828.
Molecular consequence: inframe deletion.
Genome position (GRCh38, 1-based): chr16:2,074,326-2,074,328, GTG deleted; deleting any 3 consecutive bases within chr16:2,074,321-2,074,328 gives the same sequence; the position shown is the placement nearest the transcript's 3' end. VCF-style (leftmost placement, unchanged base first): chr16-2074320-CTGG-C. GRCh37 (hg19) VCF-style: chr16-2124321-CTGG-C.
Other names: c.2479GTG[1], p.Val828del (NM_001077183.3, NM_001114382.3, NM_001363528.2 and 3 more transcripts); c.2368GTG[1], p.Val791del (NM_001318827.2); c.2332GTG[1], p.Val779del (NM_001318829.2); c.1879GTG[1], p.Val628del (NM_001318831.2); c.2512GTG[1], p.Val839del (NM_001318832.2); short protein forms V779del, V791del, V628del, V828del, V839del.
Identifiers: ClinVar variation 626039 (VCV000626039.11), dbSNP rs1596356726, ClinGen allele CA913190617.
Genomic context (GRCh38, chr16:2,074,320, plus strand): 5'-GTGGCCTTGTCCATCTGCAGCGTGGAGATGCCTGACATCATCATCAAGGCGCTGCCTGTT[CTGG>C]TGGTGAAGCTCACGCACATCTCAGCCACAGCCAGCATGGCCGTCCCACTGCTGGAGTTCC-3'

ClinVar aggregate classification (germline): Uncertain significance. Review status: criteria provided, multiple submitters, no conflicts (2 of 4 stars). 2 submissions from 2 submitters: Uncertain significance (2). Last evaluated 2018-12-21.

Conditions:
Tuberous sclerosis 2 (TSC2). Identifiers: Orphanet 805, MedGen C1860707, MONDO:0013199, OMIM 613254.
Isolated focal cortical dysplasia type II (FCORD2). Also called: Focal cortical dysplasia type II; CORTICAL DYSPLASIA OF TAYLOR. Identifiers: Orphanet 268994, MedGen C1846385, MONDO:0011818, OMIM 607341, HP:0032051.
Lymphangiomyomatosis (LAM). Also called: Lymphangioleiomyomatosis; Lymphangioleiomyomatosis, somatic. Identifiers: Orphanet 538, MedGen C0751674, MONDO:0011705, OMIM 606690.

Submissions (2):

Labcorp Genetics (formerly Invitae), Labcorp
Classification: Uncertain significance for Tuberous sclerosis 2. Last evaluated: 2018-12-21. Review status: criteria provided, single submitter. Criteria: Invitae Variant Classification Sherloc (09022015). Collection method: clinical testing. Allele origin: germline.
Comment: In summary, the available evidence is currently insufficient to determine the role of this variant in disease. Therefore, it has been classified as a Variant of Uncertain Significance. Experimental studies and prediction algorithms are not available for this variant, and the functional significance of the affected amino acid(s) is currently unknown. This variant has not been reported in the literature in individuals with TSC2-related conditions. This variant is not present in population databases (ExAC no frequency). This variant, c.2482_2484del, results in the deletion of 1 amino acid(s) of the TSC2 protein (p.Val828del), but otherwise preserves the integrity of the reading frame.

Center for Genomics, Ann and Robert H. Lurie Children's Hospital of Chicago
Classification: Uncertain significance for Lymphangiomyomatosis; Isolated focal cortical dysplasia type II; Tuberous sclerosis 2. Review status: criteria provided, single submitter. Criteria: ACMG Guidelines, 2015. Collection method: clinical testing. Allele origin: germline.
Comment: TSC2 NM_000548.4 exon 22 p.Val828del (c.2482_2484del): This variant has not been reported in the literature. This variant is not present in large control databases. Evolutionary conservation and computational predictive tools for this variant are limited or unavailable. Of note, computational tools designed to predict splicing suggest a potential effect from this variant by activation of a cryptic acceptor. However, further studies are needed to understand its impact. This variant represents an in-frame deletion of 1 amino acid and is not predicted to alter the reading frame. However, the effect of this variant on the protein is unclear. In summary, data on this variant is insufficient for disease classification. Therefore, the clinical significance of this variant is uncertain.